The following is an entry in ClinVar:

ClinVar aggregate classification (germline): Pathogenic (1 of 4 stars; one submission).

Conditions:
Generalized epilepsy with febrile seizures plus, type 7 (GEFSP7). Also called: GEFS+, TYPE 7. Identifiers: Orphanet 36387, MedGen C2751778, MONDO:0013470, OMIM 613863.
Neuropathy, hereditary sensory and autonomic, type 2A (HSAN2A). Also called: MORVAN DISEASE; NEUROPATHY, CONGENITAL SENSORY; NEUROPATHY, HEREDITARY SENSORY RADICULAR, AUTOSOMAL RECESSIVE; NEUROPATHY, HEREDITARY SENSORY, TYPE IIA; NEUROPATHY, PROGRESSIVE SENSORY, OF CHILDREN; HSAN IIA. Identifiers: Orphanet 970, MedGen C2752089, MONDO:0024309, OMIM 201300.

Submission:

Labcorp Genetics (formerly Invitae), Labcorp
Classification: Pathogenic for Neuropathy, hereditary sensory and autonomic, type 2A; Generalized epilepsy with febrile seizures plus, type 7. Last evaluated: 2024-04-30. Review status: criteria provided, single submitter. Criteria: Invitae Variant Classification Sherloc (09022015). Collection method: clinical testing. Allele origin: germline.
Comment: This sequence change creates a premature translational stop signal (p.Trp1234*) in the SCN9A gene. It is expected to result in an absent or disrupted protein product. Loss-of-function variants in SCN9A are known to be pathogenic (PMID: 17470132, 19304393). This variant is not present in population databases (gnomAD no frequency). This variant has not been reported in the literature in individuals affected with SCN9A-related conditions. Algorithms developed to predict the effect of sequence changes on RNA splicing suggest that this variant may disrupt the consensus splice site. For these reasons, this variant has been classified as Pathogenic.

Literature cited by the submitters: PubMed 17470132; PubMed 19304393.

NM_001365536.1(SCN9A):c.3734G>A (p.Trp1245Ter)

Genes: SCN9A (sodium voltage-gated channel alpha subunit 9; minus strand), SCN1A-AS1 (SCN1A and SCN9A antisense RNA 1; plus strand). Cytogenetic location: 2q24.3.
Variant type: single nucleotide variant.
Coding change: c.3734G>A on transcript NM_001365536.1 (MANE Select); coding-DNA position 3734, G replaced by A.
Protein change: p.Trp1245Ter; replaces tryptophan 1245 with a stop codon.
Molecular consequence: nonsense.
Genome position (GRCh38, 1-based): chr2:166,238,161, C>T on the plus strand (G>A on the coding strand, the complement: SCN9A is on the minus strand). VCF-style: chr2-166238161-C-T. GRCh37 (hg19) VCF-style: chr2-167094671-C-T.
Other names: c.3701G>A, p.Trp1234Ter (NM_002977.4); short protein forms W1234*, W1245*.
Identifiers: ClinVar variation 3748875 (VCV003748875.2).